The following is an entry in ClinVar:

ClinVar aggregate classification (germline): Pathogenic (1 of 4 stars; one submission).

Conditions:
Long QT syndrome (LQTS). Identifiers: MedGen C0023976, MeSH D008133, MONDO:0002442. Disease mechanism: loss of function. Inheritance: Various modes of inheritance.

Submission:

Labcorp Genetics (formerly Invitae), Labcorp
Classification: Pathogenic for Long QT syndrome. Last evaluated: 2025-04-08. Review status: criteria provided, single submitter. Criteria: Invitae Variant Classification Sherloc (09022015). Collection method: clinical testing. Allele origin: germline.
Comment: This sequence change creates a premature translational stop signal (p.Asp3081Thrfs*31) in the ANK2 gene. It is expected to result in an absent or disrupted protein product. Loss-of-function variants in ANK2 are known to be pathogenic (PMID: 37195288). This variant is not present in population databases (gnomAD no frequency). This variant has not been reported in the literature in individuals affected with ANK2-related conditions. ClinVar contains an entry for this variant (Variation ID: 3729667). For these reasons, this variant has been classified as Pathogenic.

Literature cited by the submitters: PubMed 37195288.

NM_001148.6(ANK2):c.9240del (p.Asp3081fs)

Gene: ANK2 (ankyrin 2; plus strand). Cytogenetic location: 4q26.
Variant type: Deletion.
Coding change: c.9240del on transcript NM_001148.6 (MANE Select); coding-DNA position 9240, one base deleted (T; older notation c.9240delT).
Protein change: p.Asp3081fs; shifts the reading frame from aspartic acid 3081.
Molecular consequence: frameshift variant. On other transcripts: intron variant (68).
Genome position (GRCh38, 1-based): chr4:113,357,858, T deleted. VCF-style (leftmost placement, unchanged base first): chr4-113357857-CT-C. GRCh37 (hg19) VCF-style: chr4-114279013-CT-C.
Other names: c.4469-2965del (NM_001354242.2, NM_001354231.2); c.4472-2965del (NM_001386144.1, NM_001354240.2, NM_001354241.2); c.1991-2965del (NM_001354279.2, NM_001354282.2); c.1976-2965del (NM_001354280.2); c.1955-2965del (NM_001354278.2, NM_001354281.2); c.827-2965del (NM_001386167.1); c.4484-2965del (NM_001386152.1); c.4505-2965del (NM_001354237.2); and 35 more; short protein forms D1881fs, D3120fs, D3003fs, D3081fs, D3128fs.
Identifiers: ClinVar variation 3729667 (VCV003729667.2).